The following is an entry in ClinVar:

ClinVar aggregate classification (germline): Uncertain significance. Review status: criteria provided, multiple submitters, no conflicts (2 of 4 stars). 8 submissions from 8 submitters: Uncertain significance (8). Last evaluated 2026-02-20.

Conditions:
Noonan syndrome 2 (NS2). Identifiers: Orphanet 648, MedGen C1854469, MONDO:0011531, OMIM 605275.
Noonan syndrome 10 (NS10). Identifiers: Orphanet 648, MedGen C4225280, MONDO:0014693, OMIM 616564.
LZTR1-related schwannomatosis. Also called: Schwannomatosis-2, susceptibility to; Schwannomatosis 2. Identifiers: Orphanet 93921, MedGen C3810283, MONDO:0014299, OMIM 615670.
Hereditary cancer-predisposing syndrome. Also called: Hereditary Cancer Syndrome; Hereditary neoplastic syndrome; Tumor predisposition; Neoplastic Syndromes, Hereditary. Identifiers: Orphanet 140162, MedGen C0027672, MeSH D009386, MONDO:0015356.
Cardiovascular phenotype. Identifiers: MedGen CN230736.

Allele frequency attached by ClinVar (database versions not stated): ExAC 0.00004; gnomAD 0.00005; gnomAD exomes 0.00006 and 0.00008; TOPMed 0.00006.
gnomAD v4.1: 97 of 1,613,946 alleles (0.006%); highest among the groups gnomAD compares: Admixed American, 0.017%; no homozygotes.

Submissions (8):

St. Jude Molecular Pathology, St. Jude Children's Research Hospital
Classification: Uncertain significance for Noonan syndrome 10. Last evaluated: 2026-02-20. Review status: criteria provided, single submitter. Criteria: St. Jude Assertion Criteria 2020. Collection method: clinical testing. Allele origin: germline.
Comment: The LZTR1 c.710G>A p.(Arg237Gln) missense change has a maximum subpopulation frequency of 0.017% in gnomAD v2.1.1. The in silico tool REVEL predicts a benign effect on protein function, but to our knowled ge this prediction has not been confirmed by functional studies. This variant has been reported in an individual with Noonan syndrome (PMID: 25049390). In summary, the evidence currently available is insufficient to determine the clinical significance of this variant. It has therefore been classified as of uncertain significance.

Labcorp Genetics (formerly Invitae), Labcorp
Classification: Uncertain significance. Last evaluated: 2026-01-27. Review status: criteria provided, single submitter. Criteria: Invitae Variant Classification Sherloc (09022015). Collection method: clinical testing. Allele origin: germline.
Comment: This sequence change replaces arginine, which is basic and polar, with glutamine, which is neutral and polar, at codon 237 of the LZTR1 protein (p.Arg237Gln). This variant is present in population databases (rs773696598, gnomAD 0.02%). This missense change has been observed in individual(s) with Noonan syndrome (PMID: 25049390). ClinVar contains an entry for this variant (Variation ID: 852048). Invitae Evidence Modeling of protein sequence and biophysical properties (such as structural, functional, and spatial information, amino acid conservation, physicochemical variation, residue mobility, and thermodynamic stability) indicates that this missense variant is not expected to disrupt LZTR1 protein function with a negative predictive value of 80%. In summary, the available evidence is currently insufficient to determine the role of this variant in disease. Therefore, it has been classified as a Variant of Uncertain Significance.

Dasa
Classification: Uncertain significance for Noonan syndrome 2. Last evaluated: 2026-01-22. Review status: criteria provided, single submitter. Criteria: DASA Assertion Criteria. Collection method: clinical testing. Allele origin: germline.
Comment: NM_006767.4(LZTR1):c.710G>A (p.Arg237Gln) is a missense variant that results in the substitution of arginine with glutamine. This variant has been reported in individuals with LZTR1-related disorders. Also, this variant is rare in population databases. Computational prediction algorithms are consistent with a benign effect. The currently available literature and clinical evidence are not sufficient to establish a definitive association between this variant and the reported condition. Therefore, this variant is classified as a variant of uncertain significance.

GeneDx
Classification: Uncertain significance. Last evaluated: 2025-05-13. Review status: criteria provided, single submitter. Criteria: GeneDx Variant Classification Process June 2021. Collection method: clinical testing. Allele origin: germline. Affected: yes.
Comment: In silico analysis supports that this missense variant has a deleterious effect on protein structure/function; Observed in an individual with features of Noonan syndrome (PMID: 25049390); This variant is associated with the following publications: (PMID: 29970176, 25049390, 39669619)

Clinical Genomics Laboratory, Washington University in St. Louis
Classification: Uncertain significance for Noonan syndrome 10; Noonan syndrome 2. Last evaluated: 2025-03-01. Review status: criteria provided, single submitter. Criteria: ACMG Guidelines, 2015. Collection method: clinical testing. Allele origin: germline.
Comment: An LZTR1 c.710G>A p.Arg237Gln variant was identified at a near heterozygous allelic fraction of 48.4%, a frequency which may be consistent with germline origin. This variant has been reported in an individual with Noonan syndrome and an individual with limb-girdle muscular dystrophy (Chen PC et al., PMID: 25049390; Fichna JP e tal., PMID: 29970176). It has been reported in the ClinVar database as a germline variant of uncertain significance by five submitters (ClinVar variation ID: 852048). The LZTR1 c.710G>A p.Arg237Gln variant is only observed on 97/1,613,946 alleles in the general population (gnomAD v.4.1.0). Computational predictors suggest that the variant does not impact LZTR1 function. Due to limited information, and based on ACMG/AMP guidelines for variant interpretation (Richards S et al., PMID: 25741868), the clinical significance of this variant is uncertain at this time.

Ambry Genetics
Classification: Uncertain significance for Cardiovascular phenotype; Hereditary cancer-predisposing syndrome. Last evaluated: 2024-11-18. Review status: criteria provided, single submitter. Criteria: Ambry Variant Classification Scheme 2023. Collection method: clinical testing. Allele origin: germline.

Blueprint Genetics
Classification: Uncertain significance. Last evaluated: 2024-07-30. Review status: criteria provided, single submitter. Criteria: ACMG Guidelines, 2015. Collection method: clinical testing. Allele origin: germline.

Baylor Genetics
Classification: Uncertain significance for LZTR1-related schwannomatosis. Last evaluated: 2024-03-13. Review status: criteria provided, single submitter. Criteria: ACMG Guidelines, 2015. Collection method: clinical testing. Allele origin: unknown.

Literature cited by the submitters: PubMed 25049390 (cited by Labcorp Genetics (formerly Invitae), Labcorp and Ambry Genetics); PubMed 29970176 (cited by Ambry Genetics).

NM_006767.4(LZTR1):c.710G>A (p.Arg237Gln)

Gene: LZTR1 (leucine zipper like post translational regulator 1; plus strand). Cytogenetic location: 22q11.21.
Variant type: single nucleotide variant.
Coding change: c.710G>A on transcript NM_006767.4 (MANE Select); coding-DNA position 710, G replaced by A.
Protein change: p.Arg237Gln; replaces arginine 237 with glutamine.
Molecular consequence: missense variant.
Genome position (GRCh38, 1-based): chr22:20,990,444, G>A. VCF-style: chr22-20990444-G-A. GRCh37 (hg19) VCF-style: chr22-21344733-G-A.
Other names: short protein forms R237Q.
Identifiers: ClinVar variation 852048 (VCV000852048.21), dbSNP rs773696598, ClinGen allele CA10118599.
Genomic context (GRCh38, chr22:20,990,444, plus strand): 5'-AGGTGGCCCAGAGTGGCGAGATCCCCCCATCTTGCTGCAACTTCCCCGTGGCTGTGTGCC[G>A]GGACAAGATGTTTGTATTCTCTGGGCAAAGCGGAGCCAAAATAACCAACAACCTCTTCCA-3'
Protein context (NP_006758.2, residues 227-247): SCCNFPVAVC[Arg237Gln]DKMFVFSGQS